The following is an entry in ClinVar:

NM_003482.4(KMT2D):c.9426G>T (p.Glu3142Asp)

Gene: KMT2D (lysine methyltransferase 2D; minus strand). Cytogenetic location: 12q13.12.
Variant type: single nucleotide variant.
Coding change: c.9426G>T on transcript NM_003482.4 (MANE Select); coding-DNA position 9426, G replaced by T.
Protein change: p.Glu3142Asp; replaces glutamic acid 3142 with aspartic acid.
Molecular consequence: missense variant.
Genome position (GRCh38, 1-based): chr12:49,037,930, C>A on the plus strand (G>T on the coding strand, the complement: KMT2D is on the minus strand). VCF-style: chr12-49037930-C-A. GRCh37 (hg19) VCF-style: chr12-49431713-C-A.
Other names: short protein forms E3142D.
Identifiers: ClinVar variation 2629415 (VCV002629415.1), dbSNP rs1212731935, ClinGen allele CA384738066.
Genomic context (GRCh38, chr12:49,037,930, plus strand): 5'-GCCCATCATGCTCTGTCCTGGCTTTAGCCCCAGGCCAAGGGAATTGGCAGCAGGTGCGGG[C>A]TCTACCTTGGGGGTAGCAATGGTGAATTGGCAAGGAGAAGGGTGGCGTCCACCCTCCTCC-3'
Protein context (NP_003473.3, residues 3132-3152): CQFTIATPKV[Glu3142Asp]PAPAANSLGL

ClinVar aggregate classification (germline): Uncertain significance (1 of 4 stars; one submission).

Conditions:
KMT2D-related disorder. Also called: KMT2D-Related Disorders.

Allele frequency attached by ClinVar (database versions not stated): gnomAD 0.00001.

Submission:

PreventionGenetics, part of Exact Sciences
Classification: Uncertain significance for KMT2D-related condition. Last evaluated: 2022-09-01. Review status: criteria provided, single submitter. Criteria: ACMG Guidelines, 2015. Collection method: clinical testing. Allele origin: germline.
Comment: The KMT2D c.9426G>T variant is predicted to result in the amino acid substitution p.Glu3142Asp. To our knowledge, this variant has not been reported in the literature or in a large population database, indicating this variant is rare. At this time, the clinical significance of this variant is uncertain due to the absence of conclusive functional and genetic evidence.